The following is an entry in ClinVar:

NM_001303256.3(MORC2):c.226+10G>A

Gene: MORC2 (MORC family CW-type zinc finger 2; minus strand). Cytogenetic location: 22q12.2.
Variant type: single nucleotide variant.
Coding change: c.226+10G>A on transcript NM_001303256.3 (MANE Select); 10 bases into the intron after coding-DNA position 226, G replaced by A.
Molecular consequence: intron variant.
Genome position (GRCh38, 1-based): chr22:30,950,367, C>T on the plus strand (G>A on the coding strand, the complement: MORC2 is on the minus strand). VCF-style: chr22-30950367-C-T. GRCh37 (hg19) VCF-style: chr22-31346353-C-T.
Other names: c.226+10G>A (NM_001303257.2, NM_001303256.2); c.40+10G>A (NM_014941.3).
Identifiers: ClinVar variation 2805120 (VCV002805120.4), dbSNP rs1016609689, ClinGen allele CA323283462.

ClinVar aggregate classification (germline): Likely benign. Review status: criteria provided, multiple submitters, no conflicts (2 of 4 stars). 2 submissions from 2 submitters: Likely benign (2). Last evaluated 2026-09-05.

Conditions:
MORC2-related disorder. Also called: MORC2-related condition.
Charcot-Marie-Tooth disease axonal type 2Z. Also called: CHARCOT-MARIE-TOOTH DISEASE, AXONAL, AUTOSOMAL DOMINANT, TYPE 2Z; CHARCOT-MARIE-TOOTH NEUROPATHY, TYPE 2Z. Identifiers: Orphanet 466768, MedGen C5569025, MONDO:0014736, OMIM 616688.

Allele frequency attached by ClinVar (database versions not stated): gnomAD exomes below 0.00001; gnomAD 0.00004.
gnomAD v4.1: 7 of 885,860 alleles (0.00079%); highest among the groups gnomAD compares: Admixed American, 0.012%; no homozygotes.

Submissions (2):

PreventionGenetics, part of Exact Sciences
Classification: Likely benign for MORC2-related condition. Last evaluated: 2026-09-05. Review status: criteria provided, single submitter. Criteria: ACMG Guidelines, 2015. Collection method: clinical testing. Allele origin: germline.
Comment: This variant is classified as likely benign based on ACMG/AMP sequence variant interpretation guidelines (Richards et al. 2015 PMID: 25741868, with internal and published modifications).

Labcorp Genetics (formerly Invitae), Labcorp
Classification: Likely benign for Charcot-Marie-Tooth disease axonal type 2Z. Last evaluated: 2023-04-07. Review status: criteria provided, single submitter. Criteria: Invitae Variant Classification Sherloc (09022015). Collection method: clinical testing. Allele origin: germline.